The following is an entry in ClinVar:

ClinVar aggregate classification (germline): Uncertain significance (1 of 4 stars; one submission).

Conditions:
Multiple endocrine neoplasia, type 2 (MEN2). Identifiers: Orphanet 653, MedGen C4048306, MONDO:0019003. Disease mechanism: gain of function.

Submission:

Labcorp Genetics (formerly Invitae), Labcorp
Classification: Uncertain significance for Multiple endocrine neoplasia, type 2. Last evaluated: 2024-10-23. Review status: criteria provided, single submitter. Criteria: Invitae Variant Classification Sherloc (09022015). Collection method: clinical testing. Allele origin: germline.
Comment: This sequence change affects codon 126 of the RET mRNA. It is a 'silent' change, meaning that it does not change the encoded amino acid sequence of the RET protein. This variant is not present in population databases (gnomAD no frequency). This variant has not been reported in the literature in individuals affected with RET-related conditions. Algorithms developed to predict the effect of sequence changes on RNA splicing suggest that this variant may disrupt the consensus splice site. In summary, the available evidence is currently insufficient to determine the role of this variant in disease. Therefore, it has been classified as a Variant of Uncertain Significance.

NM_020975.6(RET):c.378C>T (p.Phe126=)

Gene: RET (ret proto-oncogene; plus strand). Cytogenetic location: 10q11.21.
Variant type: single nucleotide variant.
Coding change: c.378C>T on transcript NM_020975.6 (MANE Select); coding-DNA position 378, C replaced by T.
Protein change: p.Phe126=; no amino-acid change (phenylalanine 126 retained).
Molecular consequence: synonymous variant. On other transcripts: intron variant (22).
Genome position (GRCh38, 1-based): chr10:43,102,382, C>T. VCF-style: chr10-43102382-C-T. GRCh37 (hg19) VCF-style: chr10-43597830-C-T.
Other names: c.378C>T, p.Phe126= (NM_001406743.1, NM_001406744.1, NM_001406759.1 and 14 more transcripts); c.338-89C>T (NM_001406764.1, NM_001406762.1, NM_001406761.1 and 4 more transcripts); c.337+1660C>T (NM_001406770.1, NM_001406766.1, NM_001406767.1 and 8 more transcripts); c.74-6649C>T (NM_001406784.1); c.74-9717C>T (NM_001406794.1, NM_001406792.1, NM_001406793.1).
Identifiers: ClinVar variation 3723576 (VCV003723576.2).